The following is an entry in ClinVar:

ClinVar aggregate classification (germline): Uncertain significance (1 of 4 stars; one submission).

Submission:

Labcorp Genetics (formerly Invitae), Labcorp
Classification: Uncertain significance. Last evaluated: 2025-12-26. Review status: criteria provided, single submitter. Criteria: Invitae Variant Classification Sherloc (09022015). Collection method: clinical testing. Allele origin: germline.
Comment: This sequence change replaces alanine, which is neutral and non-polar, with glycine, which is neutral and non-polar, at codon 1871 of the ITPR1 protein (p.Ala1871Gly). This variant is not present in population databases (gnomAD no frequency). This variant has not been reported in the literature in individuals affected with ITPR1-related conditions. Invitae Evidence Modeling of protein sequence and biophysical properties (such as structural, functional, and spatial information, amino acid conservation, physicochemical variation, residue mobility, and thermodynamic stability) indicates that this missense variant is not expected to disrupt ITPR1 protein function with a negative predictive value of 95%. In summary, the available evidence is currently insufficient to determine the role of this variant in disease. Therefore, it has been classified as a Variant of Uncertain Significance.

NM_001378452.1(ITPR1):c.5801C>G (p.Ala1934Gly)

Gene: ITPR1 (inositol 1,4,5-trisphosphate receptor type 1; plus strand). Cytogenetic location: 3p26.1.
Variant type: single nucleotide variant.
Coding change: c.5801C>G on transcript NM_001378452.1 (MANE Select); coding-DNA position 5801, C replaced by G.
Protein change: p.Ala1934Gly; replaces alanine 1934 with glycine.
Molecular consequence: missense variant.
Genome position (GRCh38, 1-based): chr3:4,768,586, C>G. VCF-style: chr3-4768586-C-G. GRCh37 (hg19) VCF-style: chr3-4810270-C-G.
Other names: c.5657C>G, p.Ala1886Gly (NM_001099952.4); c.5756C>G, p.Ala1919Gly (NM_001168272.2); c.5612C>G, p.Ala1871Gly (NM_002222.7); short protein forms A1871G, A1934G, A1886G, A1919G.
Identifiers: ClinVar variation 4745927 (VCV004745927.1).
Genomic context (GRCh38, chr3:4,768,586, plus strand): 5'-CACAGATAACAGAAGAGGTCCGGGATCAGCTCCTGGAGGCCTCCGCTGCCACCAGGAAAG[C>G]CTTCACCACTTTCAGGAGGGAGGCTGATCCCGACGACCACTACCAGCCTGGAGAGGGCAC-3'
Protein context (NP_001365381.1, residues 1924-1944): LLEASAATRK[Ala1934Gly]FTTFRREADP